The following is an entry in ClinVar:

ClinVar aggregate classification (germline): Pathogenic/Likely pathogenic. Review status: criteria provided, multiple submitters, no conflicts (2 of 4 stars). 2 submissions from 2 submitters: Pathogenic (1); Likely pathogenic (1). Last evaluated 2024-03-14.

Conditions:
Autosomal recessive nonsyndromic hearing loss 77. Identifiers: Orphanet 90636, MedGen C2746083, MONDO:0013119, OMIM 613079.

gnomAD v4.1: 1 of 1,552,200 alleles (0.000064%); no homozygotes.

Submissions (2):

Fulgent Genetics
Classification: Likely pathogenic for Autosomal recessive nonsyndromic hearing loss 77. Last evaluated: 2024-03-14. Review status: criteria provided, single submitter. Criteria: ACMG Guidelines, 2015. Collection method: clinical testing. Allele origin: germline.

Labcorp Genetics (formerly Invitae), Labcorp
Classification: Pathogenic. Last evaluated: 2023-03-13. Review status: criteria provided, single submitter. Criteria: Invitae Variant Classification Sherloc (09022015). Collection method: clinical testing. Allele origin: germline.
Comment: This sequence change affects an acceptor splice site in intron 2 of the LOXHD1 gene. It is expected to disrupt RNA splicing. Variants that disrupt the donor or acceptor splice site typically lead to a loss of protein function (PMID: 16199547), and loss-of-function variants in LOXHD1 are known to be pathogenic (PMID: 19732867, 21465660, 25792669). This variant is not present in population databases (gnomAD no frequency). Disruption of this splice site has been observed in individual(s) with nonsyndromic deafness (PMID: 31547530). In at least one individual the data is consistent with being in trans (on the opposite chromosome) from a pathogenic variant. It has also been observed to segregate with disease in related individuals. Algorithms developed to predict the effect of sequence changes on RNA splicing suggest that this variant may disrupt the consensus splice site. For these reasons, this variant has been classified as Pathogenic.

Literature cited by the submitters: PubMed 16199547 (cited by Labcorp Genetics (formerly Invitae), Labcorp); PubMed 19732867 (cited by Labcorp Genetics (formerly Invitae), Labcorp); PubMed 21465660 (cited by Labcorp Genetics (formerly Invitae), Labcorp); PubMed 25792669 (cited by Labcorp Genetics (formerly Invitae), Labcorp); PubMed 31547530 (cited by Labcorp Genetics (formerly Invitae), Labcorp).

NM_001384474.1(LOXHD1):c.246-1G>T

Gene: LOXHD1 (lipoxygenase homology PLAT domains 1; minus strand). Cytogenetic location: 18q21.1.
Variant type: single nucleotide variant.
Coding change: c.246-1G>T on transcript NM_001384474.1 (MANE Select); the canonical splice acceptor site of the intron before coding-DNA position 246, G replaced by T.
Molecular consequence: splice acceptor variant.
Genome position (GRCh38, 1-based): chr18:46,642,037, C>A on the plus strand (G>T on the coding strand, the complement: LOXHD1 is on the minus strand). VCF-style: chr18-46642037-C-A. GRCh37 (hg19) VCF-style: chr18-44222000-C-A.
Other names: c.246-1G>T (NM_144612.7, NM_144612.6).
Identifiers: ClinVar variation 3016654 (VCV003016654.4), dbSNP rs2511999710, ClinGen allele CA402371032.